The following is an entry in ClinVar:

NM_004304.5(ALK):c.1849C>G (p.Gln617Glu)

Gene: ALK (ALK receptor tyrosine kinase; minus strand). Cytogenetic location: 2p23.2.
Variant type: single nucleotide variant.
Coding change: c.1849C>G on transcript NM_004304.5 (MANE Select); coding-DNA position 1849, C replaced by G.
Protein change: p.Gln617Glu; replaces glutamine 617 with glutamic acid.
Molecular consequence: missense variant.
Genome position (GRCh38, 1-based): chr2:29,275,465, G>C on the plus strand (C>G on the coding strand, the complement: ALK is on the minus strand). VCF-style: chr2-29275465-G-C. GRCh37 (hg19) VCF-style: chr2-29498331-G-C.
Other names: short protein forms Q617E.
Identifiers: ClinVar variation 3855554 (VCV003855554.1).
Genomic context (GRCh38, chr2:29,275,465, plus strand): 5'-TGAGGTAGCAGTCCAGGCTGATGGAGATATTGTCAAAAGCCACGATGGCTCTGGATCCTT[G>C]TCCCCACCATGCGACCATCTGCAGCCAGAACCTGTACACATCAAGAGGAATGTGTGTGAG-3'
Protein context (NP_004295.2, residues 607-627): FWLQMVAWWG[Gln617Glu]GSRAIVAFDN

ClinVar aggregate classification (germline): Uncertain significance (1 of 4 stars; one submission).

Conditions:
Hereditary cancer-predisposing syndrome. Also called: Hereditary neoplastic syndrome; Neoplastic Syndromes, Hereditary; Tumor predisposition; Hereditary Cancer Syndrome. Identifiers: Orphanet 140162, MedGen C0027672, MeSH D009386, MONDO:0015356.

Submission:

Ambry Genetics
Classification: Uncertain significance for Hereditary cancer-predisposing syndrome. Last evaluated: 2025-02-02. Review status: criteria provided, single submitter. Criteria: Ambry Variant Classification Scheme 2023. Collection method: clinical testing. Allele origin: germline.
Comment: The p.Q617E variant (also known as c.1849C>G), located in coding exon 10 of the ALK gene, results from a C to G substitution at nucleotide position 1849. The glutamine at codon 617 is replaced by glutamic acid, an amino acid with highly similar properties. This amino acid position is conserved. In addition, this alteration is predicted to be tolerated by in silico analysis. Based on the available evidence, the clinical significance of this variant remains unclear.